The following is an entry in ClinVar:

NM_000093.5(COL5A1):c.4318C>T (p.Arg1440Ter)

Gene: COL5A1 (collagen type V alpha 1 chain; plus strand). Cytogenetic location: 9q34.3.
Variant type: single nucleotide variant.
Coding change: c.4318C>T on transcript NM_000093.5 (MANE Select); coding-DNA position 4318, C replaced by T.
Protein change: p.Arg1440Ter; replaces arginine 1440 with a stop codon.
Molecular consequence: nonsense.
Genome position (GRCh38, 1-based): chr9:134,818,743, C>T. VCF-style: chr9-134818743-C-T. GRCh37 (hg19) VCF-style: chr9-137710589-C-T.
Other names: c.4318C>T (NM_000093.3); c.4318C>T, p.Arg1440Ter (NM_001278074.1); short protein forms R1440*.
Identifiers: ClinVar variation 1074188 (VCV001074188.21), dbSNP rs2132864295, ClinGen allele CA375457302.

ClinVar aggregate classification (germline): Pathogenic/Likely pathogenic. Review status: criteria provided, multiple submitters, no conflicts (2 of 4 stars). 5 submissions from 5 submitters: Pathogenic (3); Likely pathogenic (2). Last evaluated 2025-07-01.

Conditions:
COL5A1-related disorders.
Ehlers-Danlos syndrome, classic type, 1 (EDSCL1). Also called: Ehlers-Danlos syndrome, type 1; EHLERS-DANLOS SYNDROME, GRAVIS TYPE; EHLERS-DANLOS SYNDROME, SEVERE CLASSIC TYPE; Ehlers-Danlos Syndrome, Classic Type, COL5A1-Related; EDS I. Identifiers: MedGen C0268335, MONDO:0019567, OMIM 130000.

Allele frequency attached by ClinVar (database versions not stated): gnomAD exomes below 0.00001.
gnomAD v4.1: 1 of 1,611,992 alleles (0.000062%); highest among the groups gnomAD compares: Non-Finnish European, 0.000085%; no homozygotes.

Submissions (5):

CeGaT Center for Human Genetics Tuebingen
Classification: Pathogenic. Last evaluated: 2025-07-01. Review status: criteria provided, single submitter. Criteria: CeGaT Center For Human Genetics Tuebingen Variant Classification Criteria Version 2. Collection method: clinical testing. Allele origin: germline. Affected: yes. Observed: 1 variant allele.
Comment: COL5A1: PVS1, PM2, PS4:Supporting

Labcorp Genetics (formerly Invitae), Labcorp
Classification: Pathogenic for Ehlers-Danlos syndrome, classic type, 1. Last evaluated: 2024-10-07. Review status: criteria provided, single submitter. Criteria: Invitae Variant Classification Sherloc (09022015). Collection method: clinical testing. Allele origin: germline.
Comment: This sequence change creates a premature translational stop signal (p.Arg1440*) in the COL5A1 gene. It is expected to result in an absent or disrupted protein product. Loss-of-function variants in COL5A1 are known to be pathogenic (PMID: 23587214). This variant is not present in population databases (gnomAD no frequency). This variant has not been reported in the literature in individuals affected with COL5A1-related conditions. ClinVar contains an entry for this variant (Variation ID: 1074188). For these reasons, this variant has been classified as Pathogenic.

GeneDx
Classification: Pathogenic. Last evaluated: 2024-05-22. Review status: criteria provided, single submitter. Criteria: GeneDx Variant Classification Process June 2021. Collection method: clinical testing. Allele origin: germline. Affected: yes.
Comment: Identified in a patient with joint hypermobility in published literature; however, additional clinical and segregation information were not provided (PMID: 37079061); Nonsense variant predicted to result in protein truncation or nonsense mediated decay in a gene for which loss of function is a known mechanism of disease; Not observed at significant frequency in large population cohorts (gnomAD); This variant is associated with the following publications: (PMID: 37079061)

Blueprint Genetics
Classification: Likely pathogenic for COL5A1-related disorders. Last evaluated: 2023-03-30. Review status: criteria provided, single submitter. Criteria: ACMG Guidelines, 2015. Collection method: clinical testing. Allele origin: germline. Affected: yes. Observed: 1 variant allele.

Revvity Omics, Revvity
Classification: Likely pathogenic. Last evaluated: 2022-07-22. Review status: criteria provided, single submitter. Criteria: ACMG Guidelines, 2015. Collection method: clinical testing. Allele origin: germline.

Literature cited by the submitters: PubMed 23587214 (cited by Labcorp Genetics (formerly Invitae), Labcorp).